The following is an entry in ClinVar:

ClinVar aggregate classification (germline): Uncertain significance (1 of 4 stars; one submission).

Conditions:
Distal myopathy with posterior leg and anterior hand involvement. Also called: WILLIAMS DISTAL MYOPATHY. Identifiers: Orphanet 63273, MedGen C3279722, MONDO:0013550, OMIM 614065.
Myofibrillar myopathy 5. Also called: Filaminopathy (type); FILAMINOPATHY, AUTOSOMAL DOMINANT. Identifiers: Orphanet 171445, MedGen C1836050, MONDO:0012289, OMIM 609524.
Hypertrophic cardiomyopathy 26. Also called: Cardiomyopathy, familial hypertrophic, 26. Identifiers: Orphanet 75249, MedGen C4310749, MONDO:0014883, OMIM 617047.

Submission:

Labcorp Genetics (formerly Invitae), Labcorp
Classification: Uncertain significance for Distal myopathy with posterior leg and anterior hand involvement; Myofibrillar myopathy 5; Hypertrophic cardiomyopathy 26. Last evaluated: 2018-05-09. Review status: criteria provided, single submitter. Criteria: Invitae Variant Classification Sherloc (09022015). Collection method: clinical testing. Allele origin: germline.
Comment: In summary, the available evidence is currently insufficient to determine the role of this variant in disease. Therefore, it has been classified as a Variant of Uncertain Significance. Algorithms developed to predict the effect of missense changes on protein structure and function do not agree on the potential impact of this missense change (SIFT: "Tolerated"; PolyPhen-2: "Probably Damaging"; Align-GVGD: "Class C0"). This variant has not been reported in the literature in individuals with FLNC-related disease. This variant is not present in population databases (ExAC no frequency). This sequence change replaces isoleucine with methionine at codon 2542 of the FLNC protein (p.Ile2542Met). The isoleucine residue is highly conserved and there is a small physicochemical difference between isoleucine and methionine.

NM_001458.5(FLNC):c.7626T>G (p.Ile2542Met)

Genes: FLNC (filamin C; plus strand), FLNC-AS1 (FLNC antisense RNA 1; minus strand). Cytogenetic location: 7q32.1.
Variant type: single nucleotide variant.
Coding change: c.7626T>G on transcript NM_001458.5 (MANE Select); coding-DNA position 7626, T replaced by G.
Protein change: p.Ile2542Met; replaces isoleucine 2542 with methionine.
Molecular consequence: missense variant.
Genome position (GRCh38, 1-based): chr7:128,857,182, T>G. VCF-style: chr7-128857182-T-G. GRCh37 (hg19) VCF-style: chr7-128497236-T-G.
Other names: c.7527T>G, p.Ile2509Met (NM_001127487.2); short protein forms I2542M, I2509M.
Identifiers: ClinVar variation 581577 (VCV000581577.9), dbSNP rs1554401890, ClinGen allele CA369219410.